The following is an entry in ClinVar:

ClinVar aggregate classification (germline): Uncertain significance (1 of 4 stars; one submission).

gnomAD v4.1: 4 of 1,614,024 alleles (0.00025%); highest among the groups gnomAD compares: Middle Eastern, 0.033%; no homozygotes.

Submission:

Labcorp Genetics (formerly Invitae), Labcorp
Classification: Uncertain significance. Last evaluated: 2024-10-10. Review status: criteria provided, single submitter. Criteria: Invitae Variant Classification Sherloc (09022015). Collection method: clinical testing. Allele origin: germline.
Comment: This sequence change replaces histidine, which is basic and polar, with arginine, which is basic and polar, at codon 602 of the MYO6 protein (p.His602Arg). This variant is not present in population databases (gnomAD no frequency). This variant has not been reported in the literature in individuals affected with MYO6-related conditions. Invitae Evidence Modeling of protein sequence and biophysical properties (such as structural, functional, and spatial information, amino acid conservation, physicochemical variation, residue mobility, and thermodynamic stability) has been performed for this missense variant. However, the output from this modeling did not meet the statistical confidence thresholds required to predict the impact of this variant on MYO6 protein function. In summary, the available evidence is currently insufficient to determine the role of this variant in disease. Therefore, it has been classified as a Variant of Uncertain Significance.

NM_004999.4(MYO6):c.1805A>G (p.His602Arg)

Gene: MYO6 (myosin VI; plus strand). Cytogenetic location: 6q14.1.
Variant type: single nucleotide variant.
Coding change: c.1805A>G on transcript NM_004999.4 (MANE Select); coding-DNA position 1805, A replaced by G.
Protein change: p.His602Arg; replaces histidine 602 with arginine.
Molecular consequence: missense variant. On other transcripts: non-coding transcript variant (1).
Genome position (GRCh38, 1-based): chr6:75,866,966, A>G. VCF-style: chr6-75866966-A-G. GRCh37 (hg19) VCF-style: chr6-76576683-A-G.
Other names: c.1805A>G, p.His602Arg (NM_001300899.2, NM_001368136.1, NM_001368137.1 and 2 more transcripts); c.1790A>G, p.His597Arg (NM_001368138.1); short protein forms H597R, H602R.
Identifiers: ClinVar variation 3712871 (VCV003712871.2).